The following is an entry in ClinVar:

ClinVar aggregate classification (germline): Conflicting classifications of pathogenicity. Review status: criteria provided, conflicting classifications (1 of 4 stars). 2 submissions from 2 submitters: Uncertain significance (1); Benign (1). Last evaluated 2023-12-13.

Conditions:
Hereditary cancer-predisposing syndrome. Also called: Tumor predisposition; Hereditary Cancer Syndrome; Hereditary neoplastic syndrome; Neoplastic Syndromes, Hereditary. Identifiers: Orphanet 140162, MedGen C0027672, MeSH D009386, MONDO:0015356.
Tuberous sclerosis 2 (TSC2). Identifiers: Orphanet 805, MedGen C1860707, MONDO:0013199, OMIM 613254.

gnomAD v4.1: 1 of 1,612,188 alleles (0.000062%); highest among the groups gnomAD compares: Non-Finnish European, 0.000085%; no homozygotes.

Submissions (2):

Labcorp Genetics (formerly Invitae), Labcorp
Classification: Benign for Tuberous sclerosis 2. Last evaluated: 2023-12-13. Review status: criteria provided, single submitter. Criteria: Invitae Variant Classification Sherloc (09022015). Collection method: clinical testing. Allele origin: germline.

Ambry Genetics
Classification: Uncertain significance for Hereditary cancer-predisposing syndrome. Last evaluated: 2023-07-13. Review status: criteria provided, single submitter. Criteria: Ambry Variant Classification Scheme 2023. Collection method: clinical testing. Allele origin: germline.
Comment: The p.E1390K variant (also known as c.4168G>A), located in coding exon 33 of the TSC2 gene, results from a G to A substitution at nucleotide position 4168. The glutamic acid at codon 1390 is replaced by lysine, an amino acid with similar properties. This amino acid position is highly conserved in available vertebrate species. In addition, this alteration is predicted to be deleterious by in silico analysis. Since supporting evidence is limited at this time, the clinical significance of this alteration remains unclear.

NM_000548.5(TSC2):c.4168G>A (p.Glu1390Lys)

Gene: TSC2 (TSC complex subunit 2; plus strand). Cytogenetic location: 16p13.3.
Variant type: single nucleotide variant.
Coding change: c.4168G>A on transcript NM_000548.5 (MANE Select); coding-DNA position 4168, G replaced by A.
Protein change: p.Glu1390Lys; replaces glutamic acid 1390 with lysine.
Molecular consequence: missense variant.
Genome position (GRCh38, 1-based): chr16:2,084,390, G>A. VCF-style: chr16-2084390-G-A. GRCh37 (hg19) VCF-style: chr16-2134391-G-A.
Other names: c.3967G>A, p.Glu1323Lys (NM_001077183.3); c.4099G>A, p.Glu1367Lys (NM_001114382.3); c.3859G>A, p.Glu1287Lys (NM_001318827.2); c.3823G>A, p.Glu1275Lys (NM_001318829.2); c.3436G>A, p.Glu1146Lys (NM_001318831.2); c.4000G>A, p.Glu1334Lys (NM_001318832.2); c.3970G>A, p.Glu1324Lys (NM_001363528.2); c.4036G>A, p.Glu1346Lys (NM_001370404.1); and 1 more; short protein forms E1390K, E1146K, E1287K, E1347K, E1367K, E1334K, E1323K, E1324K.
Identifiers: ClinVar variation 238044 (VCV000238044.12), dbSNP rs397515033, ClinGen allele CA050575.
Genomic context (GRCh38, chr16:2,084,390, plus strand): 5'-CCCTCTGTGGACCTCTCCTTCCAGCCCTCGCAGCCCCTGAGCAAGTCCAGCTCCTCTCCC[G>A]AGCTGCAGACTCTGCAGGACATCCTCGGGGACCCTGGGGACAAGGCCGACGTGGGCCGGC-3'
Protein context (NP_000539.2, residues 1380-1400): QPLSKSSSSP[Glu1390Lys]LQTLQDILGD